The following is an entry in ClinVar:

ClinVar aggregate classification (germline): Likely benign. Review status: criteria provided, multiple submitters, no conflicts (2 of 4 stars). 2 submissions from 2 submitters: Likely benign (2). Last evaluated 2025-09-17.

Conditions:
DEAF1-related disorder.

Allele frequency attached by ClinVar (database versions not stated): gnomAD 0.00001; gnomAD exomes 0.00002; ExAC 0.00003.
gnomAD v4.1: 26 of 1,613,868 alleles (0.0016%); highest among the groups gnomAD compares: East Asian, 0.024%; no homozygotes.

Submissions (2):

Labcorp Genetics (formerly Invitae), Labcorp
Classification: Likely benign. Last evaluated: 2025-09-17. Review status: criteria provided, single submitter. Criteria: Invitae Variant Classification Sherloc (09022015). Collection method: clinical testing. Allele origin: germline.

PreventionGenetics, part of Exact Sciences
Classification: Likely benign for DEAF1-related condition. Last evaluated: 2024-11-26. Review status: criteria provided, single submitter. Criteria: ACMG Guidelines, 2015. Collection method: clinical testing. Allele origin: germline.
Comment: This variant is classified as likely benign based on ACMG/AMP sequence variant interpretation guidelines (Richards et al. 2015 PMID: 25741868, with internal and published modifications).

NM_021008.4(DEAF1):c.1350G>A (p.Pro450=)

Genes: DEAF1 (DEAF1 transcription factor; minus strand), LOC126861109 (BRD4-independent group 4 enhancer GRCh37_chr11:673917-675116; plus strand). Cytogenetic location: 11p15.5.
Variant type: single nucleotide variant.
Coding change: c.1350G>A on transcript NM_021008.4 (MANE Select); coding-DNA position 1350, G replaced by A.
Protein change: p.Pro450=; no amino-acid change (proline 450 retained).
Molecular consequence: synonymous variant.
Genome position (GRCh38, 1-based): chr11:674,689, C>T on the plus strand (G>A on the coding strand, the complement: DEAF1 is on the minus strand). VCF-style: chr11-674689-C-T. GRCh37 (hg19) VCF-style: chr11-674689-C-T.
Other names: c.1083G>A, p.Pro361= (NM_001293634.2); c.624G>A, p.Pro208= (NM_001367390.1); c.1350G>A (NM_021008.3).
Identifiers: ClinVar variation 1603134 (VCV001603134.9), dbSNP rs764182783, ClinGen allele CA5786232.